The following is an entry in ClinVar:

NM_001077653.2(TBX20):c.1004-3C>A

Gene: TBX20 (T-box transcription factor 20; minus strand). Cytogenetic location: 7p14.2.
Variant type: single nucleotide variant.
Coding change: c.1004-3C>A on transcript NM_001077653.2 (MANE Select); 3 bases into the intron before coding-DNA position 1004, C replaced by A.
Molecular consequence: intron variant.
Genome position (GRCh38, 1-based): chr7:35,202,773, G>T on the plus strand (C>A on the coding strand, the complement: TBX20 is on the minus strand). VCF-style: chr7-35202773-G-T. GRCh37 (hg19) VCF-style: chr7-35242385-G-T.
Identifiers: ClinVar variation 5019256 (VCV005019256.2).

ClinVar aggregate classification (germline): Uncertain significance (1 of 4 stars; one submission).

Conditions:
Atrial septal defect 4 (ASD4). Identifiers: Orphanet 1478, MedGen C1969657, MONDO:0012654, OMIM 611363.

Submission:

Juno Genomics, Hangzhou Juno Genomics, Inc
Classification: Uncertain significance for Atrial septal defect 4. Review status: criteria provided, single submitter. Criteria: ACMG Guidelines, 2015. Collection method: clinical testing. Allele origin: germline.
Comment: Absent from controls (or at extremely low frequency if recessive) in Genome Aggregation Database.;Multiple lines of computational evidence support a deleterious effect on the gene or gene product.